The following is an entry in ClinVar:

NM_024587.4(TMEM53):c.362G>A (p.Arg121His)

Gene: TMEM53 (transmembrane protein 53; minus strand). Cytogenetic location: 1p34.1.
Variant type: single nucleotide variant.
Coding change: c.362G>A on transcript NM_024587.4 (MANE Select); coding-DNA position 362, G replaced by A.
Protein change: p.Arg121His; replaces arginine 121 with histidine.
Molecular consequence: missense variant.
Genome position (GRCh38, 1-based): chr1:44,655,031, C>T on the plus strand (G>A on the coding strand, the complement: TMEM53 is on the minus strand). VCF-style: chr1-44655031-C-T. GRCh37 (hg19) VCF-style: chr1-45120703-C-T.
Other names: c.143G>A, p.Arg48His (NM_001300746.2); c.272G>A, p.Arg91His (NM_001300747.2); c.269G>A, p.Arg90His (NM_001300748.2); short protein forms R90H, R91H, R121H, R48H.
Identifiers: ClinVar variation 4988770 (VCV004988770.1).

ClinVar aggregate classification (germline): Uncertain significance (1 of 4 stars; one submission).

Conditions:
TMEM53-related disorder. Also called: TMEM53-related condition.

gnomAD v4.1: 77 of 1,613,960 alleles (0.0048%); highest among the groups gnomAD compares: Non-Finnish European, 0.0064%; no homozygotes.

Submission:

PreventionGenetics, part of Exact Sciences
Classification: Uncertain significance for TMEM53-related condition. Last evaluated: 2025-12-24. Review status: criteria provided, single submitter. Criteria: ACMG Guidelines, 2015. Collection method: clinical testing. Allele origin: germline.
Comment: The TMEM53 c.362G>A variant is predicted to result in the amino acid substitution p.Arg121His. To our knowledge, this variant has not been reported in the literature. This variant is reported in 0.0047% of alleles in individuals of European (non-Finnish) descent in gnomAD. At this time, the clinical significance of this variant is uncertain due to the absence of conclusive functional and genetic evidence.